The following is an entry in ClinVar:

NM_000038.6(APC):c.388del (p.Ser130fs)

Gene: APC (APC regulator of Wnt signaling pathway; plus strand). Cytogenetic location: 5q22.2.
Variant type: Deletion.
Coding change: c.388del on transcript NM_000038.6 (MANE Select); coding-DNA position 388, one base deleted (A; older notation c.388delA).
Protein change: p.Ser130fs; shifts the reading frame from serine 130.
Molecular consequence: frameshift variant. On other transcripts: 5 prime UTR variant (1).
Genome position (GRCh38, 1-based): chr5:112,767,356, A deleted; the last of 3 consecutive A bases (chr5:112,767,354-112,767,356); deleting any one gives the same sequence. VCF-style (leftmost placement, unchanged base first): chr5-112767353-GA-G. GRCh37 (hg19) VCF-style: chr5-112103050-GA-G.
Other names: c.388del, p.Ser130fs (NM_001127510.3, NM_001354895.2, NM_001354896.2 and 2 more transcripts); c.418del, p.Ser140fs (NM_001127511.3, NM_001354897.2, NM_001354902.2); c.313del, p.Ser105fs (NM_001354898.2, NM_001354904.2); c.211del, p.Ser71fs (NM_001354900.2, NM_001354901.2, NM_001354905.2); c.-648del (NM_001354906.2); short protein forms S140fs, S71fs, S105fs, S130fs.
Identifiers: ClinVar variation 548810 (VCV000548810.5), dbSNP rs1554069828, ClinGen allele CA658821658.

ClinVar aggregate classification (germline): Pathogenic. Review status: criteria provided, multiple submitters, no conflicts (2 of 4 stars). 3 submissions from 3 submitters: Pathogenic (2). 1 of the submissions does not count toward it. Last evaluated 2023-02-13.

Conditions:
Hereditary cancer-predisposing syndrome. Also called: Hereditary Cancer Syndrome; Hereditary neoplastic syndrome; Tumor predisposition; Neoplastic Syndromes, Hereditary. Identifiers: Orphanet 140162, MedGen C0027672, MeSH D009386, MONDO:0015356.
Familial adenomatous polyposis 1 (FAP1). Also called: FAMILIAL ADENOMATOUS POLYPOSIS 1, ATTENUATED; POLYPOSIS, ADENOMATOUS INTESTINAL. Identifiers: MedGen C2713442, MONDO:0021056, OMIM 175100. Disease mechanism: loss of function.

Submissions (3):

Myriad Genetics, Inc.
Classification: Pathogenic for Familial adenomatous polyposis 1. Last evaluated: 2023-02-13. Review status: criteria provided, single submitter. Criteria: Myriad Autosomal Dominant, Autosomal Recessive and X-Linked Classification Criteria (2023). Collection method: clinical testing. Allele origin: unknown.
Comment: This variant is considered pathogenic. This variant creates a frameshift predicted to result in premature protein truncation.

Ambry Genetics
Classification: Pathogenic for Hereditary cancer-predisposing syndrome. Last evaluated: 2017-01-04. Review status: criteria provided, single submitter. Criteria: Ambry Variant Classification Scheme 2023. Collection method: clinical testing. Allele origin: germline.
Comment: The c.388delA pathogenic mutation, located in coding exon 3 of the APC gene, results from a deletion of one nucleotide at nucleotide position 388, causing a translational frameshift with a predicted alternate stop codon (p.S130Vfs*5). This alteration is expected to result in loss of function by premature protein truncation or nonsense-mediated mRNA decay. As such, this alteration is interpreted as a disease-causing mutation.

Counsyl
Classification: Likely pathogenic for Familial adenomatous polyposis 1. Last evaluated: 2017-11-27. Review status: no assertion criteria provided. Collection method: clinical testing. Allele origin: unknown. Not counted in ClinVar's aggregate classification.